The following is an entry in ClinVar:

ClinVar aggregate classification (germline): Uncertain significance (1 of 4 stars; one submission).

Submission:

Dasa
Classification: Uncertain significance. Last evaluated: 2026-01-12. Review status: criteria provided, single submitter. Criteria: DASA Assertion Criteria. Collection method: clinical testing. Allele origin: germline.
Comment: NM_014847.4(UBAP2L):c.604G>C (p.Ala202Pro) is a missense variant that results in the substitution of alanine with proline. This variant is rare in population databases. The currently available literature and clinical evidence are not sufficient to establish a definitive association between this variant and the reported condition. Therefore, this variant is classified as a variant of uncertain significance.

NM_014847.4(UBAP2L):c.604G>C (p.Ala202Pro)

Gene: UBAP2L (ubiquitin associated protein 2 like; plus strand). Cytogenetic location: 1q21.3.
Variant type: single nucleotide variant.
Coding change: c.604G>C on transcript NM_014847.4 (MANE Select); coding-DNA position 604, G replaced by C.
Protein change: p.Ala202Pro; replaces alanine 202 with proline.
Molecular consequence: missense variant.
Genome position (GRCh38, 1-based): chr1:154,237,037, G>C. VCF-style: chr1-154237037-G-C. GRCh37 (hg19) VCF-style: chr1-154209513-G-C.
Other names: c.604G>C, p.Ala202Pro (NM_001375616.1, NM_001375618.1, NM_001375619.1 and 14 more transcripts); c.637G>C, p.Ala213Pro (NM_001375617.1, NM_001375625.1, NM_001287816.1 and 2 more transcripts); c.583G>C, p.Ala195Pro (NM_001287815.1); short protein forms A195P, A202P, A213P.
Identifiers: ClinVar variation 5020736 (VCV005020736.1).
Genomic context (GRCh38, chr1:154,237,037, plus strand): 5'-CCAAAGCTGCTTAGAGGTCAGAGACTCTTAAGTTTTATTTTTTCCAGAACCTTTAACCCA[G>C]CTGATTATGCAGAGCCAGCCAATACTGATGATAACTATGGCAATAGCAGCGGCAATACGT-3'
Protein context (NP_055662.3, residues 192-212): SAQGMGTFNP[Ala202Pro]DYAEPANTDD